The following is an entry in ClinVar:

ClinVar aggregate classification (germline): Likely benign. Review status: criteria provided, multiple submitters, no conflicts (2 of 4 stars). 2 submissions from 2 submitters: Likely benign (2). Last evaluated 2017-09-05.

Allele frequency attached by ClinVar (database versions not stated): TOPMed below 0.00001; gnomAD 0.00001; gnomAD exomes 0.00001.
gnomAD v4.1: 5 of 1,550,834 alleles (0.00032%); highest among the groups gnomAD compares: Non-Finnish European, 0.00044%; no homozygotes.

Submissions (2):

GeneDx
Classification: Likely benign. Last evaluated: 2017-09-05. Review status: criteria provided, single submitter. Criteria: GeneDx Variant Classification (06012015). Collection method: clinical testing. Allele origin: germline. Affected: yes.
Comment: This variant is considered likely benign or benign based on one or more of the following criteria: it is a conservative change, it occurs at a poorly conserved position in the protein, it is predicted to be benign by multiple in silico algorithms, and/or has population frequency not consistent with disease.

Genetic Services Laboratory, University of Chicago
Classification: Likely benign. Last evaluated: 2013-02-08. Review status: criteria provided, single submitter. Criteria: ACMG Guidelines, 2007. Collection method: clinical testing. Allele origin: germline. Inheritance: Autosomal recessive inheritance.

NM_001083961.2(WDR62):c.2982G>A (p.Glu994=)

Gene: WDR62 (WD repeat domain 62; plus strand). Cytogenetic location: 19q13.12.
Variant type: single nucleotide variant.
Coding change: c.2982G>A on transcript NM_001083961.2 (MANE Select); coding-DNA position 2982, G replaced by A.
Protein change: p.Glu994=; no amino-acid change (glutamic acid 994 retained).
Molecular consequence: synonymous variant.
Genome position (GRCh38, 1-based): chr19:36,101,674, G>A. VCF-style: chr19-36101674-G-A. GRCh37 (hg19) VCF-style: chr19-36592576-G-A.
Other names: c.2982G>A, p.Glu994= (NM_173636.5).
Identifiers: ClinVar variation 160277 (VCV000160277.6), dbSNP rs587784551, ClinGen allele CA173921.
Genomic context (GRCh38, chr19:36,101,674, plus strand): 5'-TCACCAGAATGGTCAGGCTGTGGGCTCCTGACCCCGACTCTGTCCTTCAGACTCGGGGGA[G>A]TCAGAGGCCGACCTGGAGTGCAGCTTCGCAGCCATCCACTCCCCAGCTCCGCCTCCTGAC-3'
Protein context (NP_001077430.1, residues 984-1004): KDQSPPEDSG[Glu994=]SEADLECSFA